The following is an entry in ClinVar:

ClinVar aggregate classification (germline): Uncertain significance (1 of 4 stars; one submission).

Conditions:
LAMB2-related infantile-onset nephrotic syndrome. Also called: Nephrotic Syndrome, type 5; NEPHROTIC SYNDROME, TYPE 5, WITHOUT OCULAR ABNORMALITIES; NEPHROTIC SYNDROME, TYPE 5, WITH OCULAR ABNORMALITIES. Identifiers: Orphanet 306507, MedGen C3280113, MONDO:0013621, OMIM 614199.
Pierson syndrome. Also called: MICROCORIA-CONGENITAL NEPHROTIC SYNDROME. Identifiers: Orphanet 2670, MedGen C1836876, MONDO:0012184, OMIM 609049.

Allele frequency attached by ClinVar (database versions not stated): ExAC 0.00001.
gnomAD v4.1: 1 of 1,613,952 alleles (0.000062%); highest among the groups gnomAD compares: Admixed American, 0.0017%; no homozygotes.

Submission:

Labcorp Genetics (formerly Invitae), Labcorp
Classification: Uncertain significance for LAMB2-related infantile-onset nephrotic syndrome; Pierson syndrome. Last evaluated: 2022-06-13. Review status: criteria provided, single submitter. Criteria: Invitae Variant Classification Sherloc (09022015). Collection method: clinical testing. Allele origin: germline.
Comment: This variant has not been reported in the literature in individuals affected with LAMB2-related conditions. In summary, the available evidence is currently insufficient to determine the role of this variant in disease. Therefore, it has been classified as a Variant of Uncertain Significance. Algorithms developed to predict the effect of missense changes on protein structure and function (SIFT, PolyPhen-2, Align-GVGD) all suggest that this variant is likely to be disruptive. This variant is present in population databases (rs776879690, gnomAD 0.003%). This sequence change replaces cysteine, which is neutral and slightly polar, with tyrosine, which is neutral and polar, at codon 1155 of the LAMB2 protein (p.Cys1155Tyr).

NM_002292.4(LAMB2):c.3464G>A (p.Cys1155Tyr)

Gene: LAMB2 (laminin subunit beta 2; minus strand). Cytogenetic location: 3p21.31.
Variant type: single nucleotide variant.
Coding change: c.3464G>A on transcript NM_002292.4 (MANE Select); coding-DNA position 3464, G replaced by A.
Protein change: p.Cys1155Tyr; replaces cysteine 1155 with tyrosine.
Molecular consequence: missense variant.
Genome position (GRCh38, 1-based): chr3:49,124,061, C>T on the plus strand (G>A on the coding strand, the complement: LAMB2 is on the minus strand). VCF-style: chr3-49124061-C-T. GRCh37 (hg19) VCF-style: chr3-49161494-C-T.
Other names: short protein forms C1155Y.
Identifiers: ClinVar variation 2005083 (VCV002005083.4), dbSNP rs776879690, ClinGen allele CA2394033.
Genomic context (GRCh38, chr3:49,124,061, plus strand): 5'-TGGTCACAGCGCACACCAGACACCCCTGGGCGGCAGCTGCAGTGACCTGTGAAGCGGTGA[C>T]ACTGAGGTGTATCTATTCCACGAGAGTCACAATCACAGGCTGCAAGAAAGAGCAGAGCAC-3'
Protein context (NP_002283.3, residues 1145-1165): CDSRGIDTPQ[Cys1155Tyr]HRFTGHCSCR